The following is an entry in ClinVar:

NM_001164462.2(MUC12):c.3369G>T (p.Leu1123=)

Gene: MUC12 (mucin 12, cell surface associated; plus strand). Cytogenetic location: 7q22.1.
Variant type: single nucleotide variant.
Coding change: c.3369G>T on transcript NM_001164462.2 (MANE Select); coding-DNA position 3369, G replaced by T.
Protein change: p.Leu1123=; no amino-acid change (leucine 1123 retained).
Molecular consequence: synonymous variant.
Genome position (GRCh38, 1-based): chr7:100,993,932, G>T. VCF-style: chr7-100993932-G-T. GRCh37 (hg19) VCF-style: chr7-100637213-G-T.
Identifiers: ClinVar variation 2657806 (VCV002657806.24), dbSNP rs76022775, ClinGen allele CA456908246.

ClinVar aggregate classification (germline): Likely benign (1 of 4 stars; one submission).

Submission:

CeGaT Center for Human Genetics Tuebingen
Classification: Likely benign. Last evaluated: 2023-08-01. Review status: criteria provided, single submitter. Criteria: CeGaT Center For Human Genetics Tuebingen Variant Classification Criteria Version 2. Collection method: clinical testing. Allele origin: germline. Affected: yes. Observed: 1 variant allele.
Comment: MUC12: BP4, BP7, BS2